The following is an entry in ClinVar:

ClinVar aggregate classification (germline): Uncertain significance. Review status: criteria provided, multiple submitters, no conflicts (2 of 4 stars). 4 submissions from 4 submitters: Uncertain significance (4). Last evaluated 2026-08-17.

Conditions:
Cardiovascular phenotype. Identifiers: MedGen CN230736.
Dilated cardiomyopathy 1CC (CMD1CC). Identifiers: Orphanet 154, MedGen C2751084, MONDO:0013147, OMIM 613122.
Hypertrophic cardiomyopathy 20. Identifiers: MedGen C3151267, MONDO:0013477, OMIM 613876.
NEXN-related disorder. Also called: NEXN-related condition; NEXN-related disorders.

Allele frequency attached by ClinVar (database versions not stated): gnomAD 0.00001; gnomAD exomes 0.00001; TOPMed 0.00002.
gnomAD v4.1: 11 of 1,613,668 alleles (0.00068%); highest among the groups gnomAD compares: Admixed American, 0.0017%; no homozygotes.

Submissions (4):

PreventionGenetics, part of Exact Sciences
Classification: Uncertain significance for NEXN-related condition. Last evaluated: 2026-08-17. Review status: criteria provided, single submitter. Criteria: ACMG Guidelines, 2015. Collection method: clinical testing. Allele origin: germline.
Comment: The NEXN c.626G>T variant is predicted to result in the amino acid substitution p.Arg209Ile. To our knowledge, this variant has not been reported in the literature or in a large population database (gnomAD), indicating this variant is rare. At this time, the clinical significance of this variant is uncertain due to the absence of conclusive functional and genetic evidence.

Ambry Genetics
Classification: Uncertain significance for Cardiovascular phenotype. Last evaluated: 2025-04-14. Review status: criteria provided, single submitter. Criteria: Ambry Variant Classification Scheme 2023. Collection method: clinical testing. Allele origin: germline.

Labcorp Genetics (formerly Invitae), Labcorp
Classification: Uncertain significance for Dilated cardiomyopathy 1CC; Hypertrophic cardiomyopathy 20. Last evaluated: 2024-10-29. Review status: criteria provided, single submitter. Criteria: Invitae Variant Classification Sherloc (09022015). Collection method: clinical testing. Allele origin: germline.
Comment: This sequence change replaces arginine, which is basic and polar, with isoleucine, which is neutral and non-polar, at codon 209 of the NEXN protein (p.Arg209Ile). This variant is not present in population databases (gnomAD no frequency). This variant has not been reported in the literature in individuals affected with NEXN-related conditions. ClinVar contains an entry for this variant (Variation ID: 518919). Invitae Evidence Modeling of protein sequence and biophysical properties (such as structural, functional, and spatial information, amino acid conservation, physicochemical variation, residue mobility, and thermodynamic stability) indicates that this missense variant is not expected to disrupt NEXN protein function with a negative predictive value of 80%. In summary, the available evidence is currently insufficient to determine the role of this variant in disease. Therefore, it has been classified as a Variant of Uncertain Significance.

Blueprint Genetics
Classification: Uncertain significance. Last evaluated: 2022-02-21. Review status: criteria provided, single submitter. Criteria: ACMG Guidelines, 2015. Collection method: clinical testing. Allele origin: germline.

NM_144573.4(NEXN):c.626G>T (p.Arg209Ile)

Gene: NEXN (nexilin F-actin binding protein; plus strand). Cytogenetic location: 1p31.1.
Variant type: single nucleotide variant.
Coding change: c.626G>T on transcript NM_144573.4 (MANE Select); coding-DNA position 626, G replaced by T.
Protein change: p.Arg209Ile; replaces arginine 209 with isoleucine.
Molecular consequence: missense variant.
Genome position (GRCh38, 1-based): chr1:77,926,550, G>T. VCF-style: chr1-77926550-G-T. GRCh37 (hg19) VCF-style: chr1-78392235-G-T.
Other names: c.434G>T, p.Arg145Ile (NM_001172309.2); short protein forms R209I, R145I.
Identifiers: ClinVar variation 518919 (VCV000518919.15), dbSNP rs1433269866, ClinGen allele CA340872898.